The following is an entry in ClinVar:

ClinVar aggregate classification (germline): Benign/Likely benign. Review status: criteria provided, multiple submitters, no conflicts (2 of 4 stars). 3 submissions from 3 submitters: Benign (1); Likely benign (1). 1 of the submissions does not count toward it. Last evaluated 2025-05-01.

Conditions:
MAP1B-related disorder. Also called: MAP1B-related condition.

Allele frequency attached by ClinVar (database versions not stated): ESP Exome Variant Server 0.00023; gnomAD 0.00029 and 0.00036; TOPMed 0.00030; ExAC 0.00033; gnomAD exomes 0.00041; 1000 Genomes Project 30x 0.00156; 1000 Genomes Project 0.00200.
gnomAD v4.1: 308 of 1,614,218 alleles (0.019%); highest among the groups gnomAD compares: East Asian, 0.2%; no homozygotes.

Submissions (3):

CeGaT Center for Human Genetics Tuebingen
Classification: Likely benign. Last evaluated: 2025-05-01. Review status: criteria provided, single submitter. Criteria: CeGaT Center For Human Genetics Tuebingen Variant Classification Criteria Version 2. Collection method: clinical testing. Allele origin: germline. Affected: yes. Observed: 1 variant allele.
Comment: MAP1B: BP4, BP7

Labcorp Genetics (formerly Invitae), Labcorp
Classification: Benign. Last evaluated: 2019-12-31. Review status: criteria provided, single submitter. Criteria: Invitae Variant Classification Sherloc (09022015). Collection method: clinical testing. Allele origin: germline.

PreventionGenetics, part of Exact Sciences
Classification: Likely benign for MAP1B-related condition. Last evaluated: 2019-03-05. Review status: no assertion criteria provided. Collection method: clinical testing. Allele origin: germline. Not counted in ClinVar's aggregate classification.
Comment: This variant is classified as likely benign based on ACMG/AMP sequence variant interpretation guidelines (Richards et al. 2015 PMID: 25741868, with internal and published modifications).

NM_005909.5(MAP1B):c.2619C>T (p.Val873=)

Gene: MAP1B (microtubule associated protein 1B; plus strand). Cytogenetic location: 5q13.2.
Variant type: single nucleotide variant.
Coding change: c.2619C>T on transcript NM_005909.5 (MANE Select); coding-DNA position 2619, C replaced by T.
Protein change: p.Val873=; no amino-acid change (valine 873 retained).
Molecular consequence: synonymous variant.
Genome position (GRCh38, 1-based): chr5:72,195,974, C>T. VCF-style: chr5-72195974-C-T. GRCh37 (hg19) VCF-style: chr5-71491801-C-T.
Other names: c.2241C>T, p.Val747= (NM_001324255.2).
Identifiers: ClinVar variation 717921 (VCV000717921.16), dbSNP rs144157105, ClinGen allele CA3298858.